The following is an entry in ClinVar:

NM_000350.3(ABCA4):c.2211G>T (p.Leu737Phe)

Gene: ABCA4 (ATP binding cassette subfamily A member 4; minus strand). Cytogenetic location: 1p22.1.
Variant type: single nucleotide variant.
Coding change: c.2211G>T on transcript NM_000350.3 (MANE Select); coding-DNA position 2211, G replaced by T.
Protein change: p.Leu737Phe; replaces leucine 737 with phenylalanine.
Molecular consequence: missense variant.
Genome position (GRCh38, 1-based): chr1:94,056,772, C>A on the plus strand (G>T on the coding strand, the complement: ABCA4 is on the minus strand). VCF-style: chr1-94056772-C-A. GRCh37 (hg19) VCF-style: chr1-94522328-C-A.
Other names: short protein forms L737F.
Identifiers: ClinVar variation 2104329 (VCV002104329.1), dbSNP rs2523822211, ClinGen allele CA341278010.

ClinVar aggregate classification (germline): Uncertain significance (1 of 4 stars; one submission).

gnomAD v4.1: 1 of 1,613,136 alleles (0.000062%); highest among the groups gnomAD compares: Non-Finnish European, 0.000085%; no homozygotes.

Submission:

Labcorp Genetics (formerly Invitae), Labcorp
Classification: Uncertain significance. Last evaluated: 2022-02-28. Review status: criteria provided, single submitter. Criteria: Invitae Variant Classification Sherloc (09022015). Collection method: clinical testing. Allele origin: germline.
Comment: This sequence change replaces leucine, which is neutral and non-polar, with phenylalanine, which is neutral and non-polar, at codon 737 of the ABCA4 protein (p.Leu737Phe). This variant is not present in population databases (gnomAD no frequency). This variant has not been reported in the literature in individuals affected with ABCA4-related conditions. Advanced modeling of protein sequence and biophysical properties (such as structural, functional, and spatial information, amino acid conservation, physicochemical variation, residue mobility, and thermodynamic stability) performed at Invitae indicates that this missense variant is expected to disrupt ABCA4 protein function. In summary, the available evidence is currently insufficient to determine the role of this variant in disease. Therefore, it has been classified as a Variant of Uncertain Significance.